The following is an entry in ClinVar:

NM_004333.6(BRAF):c.1002G>A (p.Pro334=)

Genes: BRAF (B-Raf proto-oncogene, serine/threonine kinase; minus strand), LOC126860202 (BRD4-independent group 4 enhancer GRCh37_chr7:140493623-140494822; plus strand). Cytogenetic location: 7q34.
Variant type: single nucleotide variant.
Coding change: c.1002G>A on transcript NM_004333.6 (MANE Select); coding-DNA position 1002, G replaced by A.
Protein change: p.Pro334=; no amino-acid change (proline 334 retained).
Molecular consequence: synonymous variant.
Genome position (GRCh38, 1-based): chr7:140,794,446, C>T on the plus strand (G>A on the coding strand, the complement: BRAF is on the minus strand). VCF-style: chr7-140794446-C-T. GRCh37 (hg19) VCF-style: chr7-140494246-C-T.
Other names: c.1002G>A, p.Pro334= (NM_001354609.2, NM_001374244.1, NM_001374258.1 and 4 more transcripts); c.1011G>A, p.Pro337= (NM_001378467.1); c.900G>A, p.Pro300= (NM_001378470.1); c.846G>A, p.Pro282= (NM_001378472.1, NM_001378473.1); c.738G>A, p.Pro246= (NM_001378475.1).
Identifiers: ClinVar variation 1772744 (VCV001772744.9), dbSNP rs780179994, ClinGen allele CA4516835.

ClinVar aggregate classification (germline): Likely benign. Review status: criteria provided, multiple submitters, no conflicts (2 of 4 stars). 4 submissions from 4 submitters: Likely benign (3). 1 of the submissions does not count toward it. Last evaluated 2025-04-14.

Conditions:
RASopathy. Also called: rasopathies; Noonan spectrum disorder. Identifiers: Orphanet 536391, MedGen C5555857, MONDO:0021060.
BRAF-related disorder. Also called: BRAF-related condition.
Cardiovascular phenotype. Identifiers: MedGen CN230736.

Allele frequency attached by ClinVar (database versions not stated): ExAC 0.00001; gnomAD 0.00001; gnomAD exomes 0.00001; TOPMed 0.00002.
gnomAD v4.1: 17 of 1,613,408 alleles (0.0011%); highest among the groups gnomAD compares: East Asian, 0.0067%; no homozygotes.

Submissions (4):

Labcorp Genetics (formerly Invitae), Labcorp
Classification: Likely benign for RASopathy. Last evaluated: 2025-04-14. Review status: criteria provided, single submitter. Criteria: Invitae Variant Classification Sherloc (09022015). Collection method: clinical testing. Allele origin: germline.

Women's Health and Genetics/Laboratory Corporation of America, LabCorp
Classification: Likely benign. Last evaluated: 2023-10-01. Review status: criteria provided, single submitter. Criteria: LabCorp Variant Classification Summary - May 2015. Collection method: clinical testing. Allele origin: germline.

Ambry Genetics
Classification: Likely benign for Cardiovascular phenotype. Last evaluated: 2019-12-13. Review status: criteria provided, single submitter. Criteria: Ambry Variant Classification Scheme 2023. Collection method: clinical testing. Allele origin: germline.

PreventionGenetics, part of Exact Sciences
Classification: Likely benign for BRAF-related condition. Last evaluated: 2024-09-28. Review status: no assertion criteria provided. Collection method: clinical testing. Allele origin: germline. Not counted in ClinVar's aggregate classification.
Comment: This variant is classified as likely benign based on ACMG/AMP sequence variant interpretation guidelines (Richards et al. 2015 PMID: 25741868, with internal and published modifications).